The following is an entry in ClinVar:

NM_005918.4(MDH2):c.756G>A (p.Ala252=)

Gene: MDH2 (malate dehydrogenase 2; plus strand). Cytogenetic location: 7q11.23.
Variant type: single nucleotide variant.
Coding change: c.756G>A on transcript NM_005918.4 (MANE Select); coding-DNA position 756, G replaced by A.
Protein change: p.Ala252=; no amino-acid change (alanine 252 retained).
Molecular consequence: synonymous variant.
Genome position (GRCh38, 1-based): chr7:76,064,824, G>A. VCF-style: chr7-76064824-G-A. GRCh37 (hg19) VCF-style: chr7-75694142-G-A.
Other names: c.630G>A, p.Ala210= (NM_001282403.2); c.435G>A, p.Ala145= (NM_001282404.2).
Identifiers: ClinVar variation 721537 (VCV000721537.35), dbSNP rs201168852, ClinGen allele CA4305702.

ClinVar aggregate classification (germline): Likely benign. Review status: criteria provided, multiple submitters, no conflicts (2 of 4 stars). 4 submissions from 4 submitters: Likely benign (4). Last evaluated 2025-11-10.

Conditions:
Inborn genetic diseases. Identifiers: MedGen C0950123, MeSH D030342.

Allele frequency attached by ClinVar (database versions not stated): ESP Exome Variant Server 0.00008; gnomAD 0.00010 and 0.00015; TOPMed 0.00020; gnomAD exomes 0.00033; ExAC 0.00034; 1000 Genomes Project 30x 0.00094; 1000 Genomes Project 0.00120.
gnomAD v4.1: 242 of 1,614,044 alleles (0.015%); highest among the groups gnomAD compares: South Asian, 0.1%; 3 homozygotes.

Submissions (4):

Labcorp Genetics (formerly Invitae), Labcorp
Classification: Likely benign. Last evaluated: 2025-11-10. Review status: criteria provided, single submitter. Criteria: Invitae Variant Classification Sherloc (09022015). Collection method: clinical testing. Allele origin: germline.

Blueprint Genetics
Classification: Likely benign. Last evaluated: 2024-10-14. Review status: criteria provided, single submitter. Criteria: ACMG Guidelines, 2015. Collection method: clinical testing. Allele origin: germline.

CeGaT Center for Human Genetics Tuebingen
Classification: Likely benign. Last evaluated: 2023-01-01. Review status: criteria provided, single submitter. Criteria: CeGaT Center For Human Genetics Tuebingen Variant Classification Criteria Version 2. Collection method: clinical testing. Allele origin: germline. Affected: yes. Observed: 1 variant allele.
Comment: MDH2: BP4, BP7, BS2

Ambry Genetics
Classification: Likely benign for Inborn genetic diseases. Last evaluated: 2022-02-26. Review status: criteria provided, single submitter. Criteria: Ambry Variant Classification Scheme 2023. Collection method: clinical testing. Allele origin: germline.